The following is an entry in ClinVar:

NM_000245.4(MET):c.950T>C (p.Leu317Pro)

Gene: MET (MET proto-oncogene, receptor tyrosine kinase; plus strand). Cytogenetic location: 7q31.2.
Variant type: single nucleotide variant.
Coding change: c.950T>C on transcript NM_000245.4 (MANE Select); coding-DNA position 950, T replaced by C.
Protein change: p.Leu317Pro; replaces leucine 317 with proline.
Molecular consequence: missense variant. On other transcripts: intron variant (1).
Genome position (GRCh38, 1-based): chr7:116,700,034, T>C. VCF-style: chr7-116700034-T-C. GRCh37 (hg19) VCF-style: chr7-116340088-T-C.
Other names: c.950T>C (NM_001127500.2); c.950T>C, p.Leu317Pro (NM_001127500.3, NM_001324401.3); c.-91+27457T>C (NM_001324402.2); short protein forms L317P.
Identifiers: ClinVar variation 2063382 (VCV002063382.6), dbSNP rs1300961648, ClinGen allele CA368970219.

ClinVar aggregate classification (germline): Uncertain significance. Review status: criteria provided, multiple submitters, no conflicts (2 of 4 stars). 3 submissions from 3 submitters: Uncertain significance (3). Last evaluated 2026-04-14.

Conditions:
Hereditary cancer-predisposing syndrome. Also called: Neoplastic Syndromes, Hereditary; Tumor predisposition; Hereditary Cancer Syndrome; Hereditary neoplastic syndrome. Identifiers: Orphanet 140162, MedGen C0027672, MeSH D009386, MONDO:0015356.
Renal cell carcinoma. Identifiers: Orphanet 217071, MedGen C0007134, MeSH D002292, MONDO:0005086, HP:0005584.

Allele frequency attached by ClinVar (database versions not stated): gnomAD exomes below 0.00001.
gnomAD v4.1: 2 of 1,614,028 alleles (0.00012%); highest among the groups gnomAD compares: East Asian, 0.0045%; no homozygotes.

Submissions (3):

Ambry Genetics
Classification: Uncertain significance for Hereditary cancer-predisposing syndrome. Last evaluated: 2026-04-14. Review status: criteria provided, single submitter. Criteria: Ambry Variant Classification Scheme 2023. Collection method: clinical testing. Allele origin: germline.
Comment: The p.L317P variant (also known as c.950T>C), located in coding exon 1 of the MET gene, results from a T to C substitution at nucleotide position 950. The leucine at codon 317 is replaced by proline, an amino acid with similar properties. This amino acid position is highly conserved in available vertebrate species. In addition, this alteration is predicted to be deleterious by in silico analysis. Based on the available evidence, the clinical significance of this variant remains unclear.

Labcorp Genetics (formerly Invitae), Labcorp
Classification: Uncertain significance for Renal cell carcinoma. Last evaluated: 2025-02-24. Review status: criteria provided, single submitter. Criteria: Invitae Variant Classification Sherloc (09022015). Collection method: clinical testing. Allele origin: germline.
Comment: This sequence change replaces leucine, which is neutral and non-polar, with proline, which is neutral and non-polar, at codon 317 of the MET protein (p.Leu317Pro). This variant is present in population databases (no rsID available, gnomAD 0.006%). This variant has not been reported in the literature in individuals affected with MET-related conditions. ClinVar contains an entry for this variant (Variation ID: 2063382). Invitae Evidence Modeling of protein sequence and biophysical properties (such as structural, functional, and spatial information, amino acid conservation, physicochemical variation, residue mobility, and thermodynamic stability) indicates that this missense variant is expected to disrupt MET protein function with a positive predictive value of 80%. In summary, the available evidence is currently insufficient to determine the role of this variant in disease. Therefore, it has been classified as a Variant of Uncertain Significance.

Quest Diagnostics Nichols Institute San Juan Capistrano
Classification: Uncertain significance. Last evaluated: 2024-11-22. Review status: criteria provided, single submitter. Criteria: Quest Diagnostics criteria. Collection method: clinical testing. Allele origin: unknown.
Comment: The MET c.950T>C (p.Leu317Pro) variant has not been reported in individuals with MET-related conditions in the published literature. The frequency of this variant in the general population, 0.000004 (1/248950 chromosomes (Genome Aggregation Database)), is uninformative in the assessment of its pathogenicity. Analysis of this variant using bioinformatics tools for the prediction of the effect of amino acid changes on protein structure and function yielded predictions that this variant is damaging. Based on the available information, we are unable to determine the clinical significance of this variant.